The following is an entry in ClinVar:

NM_001631.5(ALPI):c.522G>A (p.Ser174=)

Gene: ALPI (alkaline phosphatase, intestinal; plus strand). Cytogenetic location: 2q37.1.
Variant type: single nucleotide variant.
Coding change: c.522G>A on transcript NM_001631.5 (MANE Select); coding-DNA position 522, G replaced by A.
Protein change: p.Ser174=; no amino-acid change (serine 174 retained).
Molecular consequence: synonymous variant.
Genome position (GRCh38, 1-based): chr2:232,457,196, G>A. VCF-style: chr2-232457196-G-A. GRCh37 (hg19) VCF-style: chr2-233321906-G-A.
Identifiers: ClinVar variation 3040610 (VCV003040610.3), dbSNP rs144872496, ClinGen allele CA2166405.

ClinVar aggregate classification (germline): Likely benign. Review status: criteria provided, single submitter (1 of 4 stars). 2 submissions from 2 submitters: Likely benign (1). 1 of the submissions does not count toward it. Last evaluated 2024-11-23.

Conditions:
ALPI-related disorder. Also called: ALPI-related condition.

Allele frequency attached by ClinVar (database versions not stated): gnomAD exomes 0.00014; TOPMed 0.00017; ExAC 0.00019; gnomAD 0.00020; ESP Exome Variant Server 0.00023.
gnomAD v4.1: 264 of 1,613,438 alleles (0.016%); highest among the groups gnomAD compares: Middle Eastern, 0.12%; no homozygotes.

Submissions (2):

Blueprint Genetics
Classification: Likely benign. Last evaluated: 2024-11-23. Review status: criteria provided, single submitter. Criteria: ACMG Guidelines, 2015. Collection method: clinical testing. Allele origin: germline.

PreventionGenetics, part of Exact Sciences
Classification: Likely benign for ALPI-related condition. Last evaluated: 2019-09-17. Review status: no assertion criteria provided. Collection method: clinical testing. Allele origin: germline. Not counted in ClinVar's aggregate classification.
Comment: This variant is classified as likely benign based on ACMG/AMP sequence variant interpretation guidelines (Richards et al. 2015 PMID: 25741868, with internal and published modifications).